The following is an entry in ClinVar:

ClinVar aggregate classification (germline): Uncertain significance (1 of 4 stars; one submission).

gnomAD v4.1: 1 of 1,614,142 alleles (0.000062%); highest among the groups gnomAD compares: Non-Finnish European, 0.000085%; no homozygotes.

Submission:

Ambry Genetics
Classification: Uncertain significance. Last evaluated: 2023-04-07. Review status: criteria provided, single submitter. Criteria: Ambry Variant Classification Scheme 2023. Collection method: clinical testing. Allele origin: germline.
Comment: The p.S1647I variant (also known as c.4940G>T), located in coding exon 4 of the ALPK2 gene, results from a G to T substitution at nucleotide position 4940. The serine at codon 1647 is replaced by isoleucine, an amino acid with dissimilar properties. This amino acid position is conserved. In addition, this alteration is predicted to be tolerated by in silico analysis. Since supporting evidence is limited at this time, the clinical significance of this alteration remains unclear.

NM_052947.4(ALPK2):c.4940G>T (p.Ser1647Ile)

Gene: ALPK2 (alpha kinase 2; minus strand). Cytogenetic location: 18q21.31.
Variant type: single nucleotide variant.
Coding change: c.4940G>T on transcript NM_052947.4 (MANE Select); coding-DNA position 4940, G replaced by T.
Protein change: p.Ser1647Ile; replaces serine 1647 with isoleucine.
Molecular consequence: missense variant.
Genome position (GRCh38, 1-based): chr18:58,535,247, C>A on the plus strand (G>T on the coding strand, the complement: ALPK2 is on the minus strand). VCF-style: chr18-58535247-C-A. GRCh37 (hg19) VCF-style: chr18-56202479-C-A.
Other names: short protein forms S1647I.
Identifiers: ClinVar variation 2564051 (VCV002564051.2), dbSNP rs767328658, ClinGen allele CA402559207.